The following is an entry in ClinVar:

ClinVar aggregate classification (germline): Uncertain significance. Review status: criteria provided, multiple submitters, no conflicts (2 of 4 stars). 2 submissions from 2 submitters: Uncertain significance (2). Last evaluated 2024-12-23.

Conditions:
Hypersulfaturia (HYSULF). Identifiers: MedGen C5830511, MONDO:0957268, OMIM 620372.
Nephrolithiasis susceptibility caused by SLC26A1 (CAON1). Also called: NEPHROLITHIASIS, CALCIUM OXALATE, 1. Identifiers: MedGen C5779632, MONDO:0020722, OMIM 167030.

gnomAD v4.1: 8 of 1,571,532 alleles (0.00051%); highest among the groups gnomAD compares: Non-Finnish European, 0.00069%; no homozygotes.

Submissions (2):

Labcorp Genetics (formerly Invitae), Labcorp
Classification: Uncertain significance. Last evaluated: 2024-12-23. Review status: criteria provided, single submitter. Criteria: Invitae Variant Classification Sherloc (09022015). Collection method: clinical testing. Allele origin: germline.
Comment: This sequence change replaces alanine, which is neutral and non-polar, with threonine, which is neutral and polar, at codon 353 of the SLC26A1 protein (p.Ala353Thr). This variant is not present in population databases (gnomAD no frequency). This variant has not been reported in the literature in individuals affected with SLC26A1-related conditions. Invitae Evidence Modeling of protein sequence and biophysical properties (such as structural, functional, and spatial information, amino acid conservation, physicochemical variation, residue mobility, and thermodynamic stability) indicates that this missense variant is not expected to disrupt SLC26A1 protein function with a negative predictive value of 80%. In summary, the available evidence is currently insufficient to determine the role of this variant in disease. Therefore, it has been classified as a Variant of Uncertain Significance.

Fulgent Genetics
Classification: Uncertain significance for Nephrolithiasis susceptibility caused by SLC26A1; Hypersulfaturia. Last evaluated: 2024-05-21. Review status: criteria provided, single submitter. Criteria: ACMG Guidelines, 2015. Collection method: clinical testing. Allele origin: germline.

NM_022042.4(SLC26A1):c.1057G>A (p.Ala353Thr)

Genes: IDUA (alpha-L-iduronidase; plus strand), SLC26A1 (solute carrier family 26 member 1; minus strand). Cytogenetic location: 4p16.3.
Variant type: single nucleotide variant.
Coding change: c.1057G>A on transcript NM_022042.4 (MANE Select); coding-DNA position 1057, G replaced by A.
Protein change: p.Ala353Thr; replaces alanine 353 with threonine.
Molecular consequence: missense variant. On other transcripts: intron variant (2).
Genome position (GRCh38, 1-based): chr4:989,882, C>T on the plus strand (G>A on the coding strand, the complement: SLC26A1 is on the minus strand). VCF-style: chr4-989882-C-T. GRCh37 (hg19) VCF-style: chr4-983670-C-T.
Other names: c.1057G>A, p.Ala353Thr (NM_213613.4); c.576+1246G>A (NM_134425.4); c.299+1933C>T (NM_000203.5); short protein forms A353T.
Identifiers: ClinVar variation 3591500 (VCV003591500.3).
Genomic context (GRCh38, chr4:989,882, plus strand): 5'-CACGCACAGAGTAGCCGTGACTGCGGGCGAACATCTCCGCCAGCGAGATGGAGAAGGCGG[C>T]AGCCACGAGGGCCAGGGCCACGGCATCCAAAGCCACACGCTGCATCAGCCTGGGCTCTGG-3'
Protein context (NP_071325.2, residues 343-363): LDAVALALVA[Ala353Thr]AFSISLAEMF